The following is an entry in ClinVar:

ClinVar aggregate classification (germline): Uncertain significance (1 of 4 stars; one submission).

Allele frequency attached by ClinVar (database versions not stated): gnomAD exomes below 0.00001; gnomAD 0.00001.
gnomAD v4.1: 7 of 1,551,264 alleles (0.00045%); highest among the groups gnomAD compares: Non-Finnish European, 0.00061%; no homozygotes.

Submission:

Labcorp Genetics (formerly Invitae), Labcorp
Classification: Uncertain significance. Last evaluated: 2021-09-21. Review status: criteria provided, single submitter. Criteria: Invitae Variant Classification Sherloc (09022015). Collection method: clinical testing. Allele origin: germline.
Comment: This sequence change replaces proline with leucine at codon 2201 of the UNC80 protein (p.Pro2201Leu). The proline residue is moderately conserved and there is a moderate physicochemical difference between proline and leucine. This variant is not present in population databases (ExAC no frequency). This variant has not been reported in the literature in individuals affected with UNC80-related conditions. Algorithms developed to predict the effect of missense changes on protein structure and function are either unavailable or do not agree on the potential impact of this missense change (SIFT: "Not Available"; PolyPhen-2: "Probably Damaging"; Align-GVGD: "Not Available"). In summary, the available evidence is currently insufficient to determine the role of this variant in disease. Therefore, it has been classified as a Variant of Uncertain Significance.

NM_001371986.1(UNC80):c.6800C>T (p.Pro2267Leu)

Gene: UNC80 (unc-80 homolog, NALCN channel complex subunit; plus strand). Cytogenetic location: 2q34.
Variant type: single nucleotide variant.
Coding change: c.6800C>T on transcript NM_001371986.1 (MANE Select); coding-DNA position 6800, C replaced by T.
Protein change: p.Pro2267Leu; replaces proline 2267 with leucine.
Molecular consequence: missense variant.
Genome position (GRCh38, 1-based): chr2:209,941,374, C>T. VCF-style: chr2-209941374-C-T. GRCh37 (hg19) VCF-style: chr2-210806098-C-T.
Other names: c.6602C>T, p.Pro2201Leu (NM_032504.2); c.6587C>T, p.Pro2196Leu (NM_182587.4); short protein forms P2267L, P2196L, P2201L.
Identifiers: ClinVar variation 1462818 (VCV001462818.3), dbSNP rs751655179, ClinGen allele CA65042629.